The following is an entry in ClinVar:

NM_003801.4(GPAA1):c.75-5C>T

Gene: GPAA1 (glycosylphosphatidylinositol anchor attachment 1; plus strand). Cytogenetic location: 8q24.3.
Variant type: single nucleotide variant.
Coding change: c.75-5C>T on transcript NM_003801.4 (MANE Select); 5 bases into the intron before coding-DNA position 75, C replaced by T.
Molecular consequence: intron variant.
Genome position (GRCh38, 1-based): chr8:144,083,119, C>T. VCF-style: chr8-144083119-C-T. GRCh37 (hg19) VCF-style: chr8-145138022-C-T.
Other names: c.75-5C>T (NM_003801.3).
Identifiers: ClinVar variation 1669447 (VCV001669447.11), dbSNP rs200999813, ClinGen allele CA4932705.
Genomic context (GRCh38, chr8:144,083,119, plus strand): 5'-TGTGGCCTCGGGTCGGCGTCTGAGGACCCGCTGACGCTCCGGTGCCCCTCCGTCCTCTCT[C>T]ACAGCGTGCTGAGCTACGTGGCGGGCATCGCCTGGTTCTTGGCGCTGGTTTTCCCGCCGC-3'

ClinVar aggregate classification (germline): Conflicting classifications of pathogenicity. Review status: criteria provided, conflicting classifications (1 of 4 stars). 4 submissions from 4 submitters: Uncertain significance (1); Likely benign (3). Last evaluated 2026-01-11.

Conditions:
GPAA1-related disorder. Also called: GPAA1-related condition.
Inborn genetic diseases. Identifiers: MedGen C0950123, MeSH D030342.

Allele frequency attached by ClinVar (database versions not stated): 1000 Genomes Project 30x 0.00016; 1000 Genomes Project 0.00020; ESP Exome Variant Server 0.00032; TOPMed 0.00036; gnomAD exomes 0.00039 and 0.00054; gnomAD 0.00040 and 0.00041; ExAC 0.00047.
gnomAD v4.1: 845 of 1,611,034 alleles (0.052%); highest among the groups gnomAD compares: Non-Finnish European, 0.067%; no homozygotes.

Submissions (4):

Labcorp Genetics (formerly Invitae), Labcorp
Classification: Likely benign. Last evaluated: 2026-01-11. Review status: criteria provided, single submitter. Criteria: Invitae Variant Classification Sherloc (09022015). Collection method: clinical testing. Allele origin: germline.

Blueprint Genetics
Classification: Likely benign. Last evaluated: 2024-11-21. Review status: criteria provided, single submitter. Criteria: ACMG Guidelines, 2015. Collection method: clinical testing. Allele origin: germline.

PreventionGenetics, part of Exact Sciences
Classification: Likely benign for GPAA1-related condition. Last evaluated: 2024-11-15. Review status: criteria provided, single submitter. Criteria: ACMG Guidelines, 2015. Collection method: clinical testing. Allele origin: germline.
Comment: This variant is classified as likely benign based on ACMG/AMP sequence variant interpretation guidelines (Richards et al. 2015 PMID: 25741868, with internal and published modifications).

Ambry Genetics
Classification: Uncertain significance for Inborn genetic diseases. Last evaluated: 2022-01-19. Review status: criteria provided, single submitter. Criteria: Ambry Variant Classification Scheme 2023. Collection method: clinical testing. Allele origin: germline.
Comment: The c.75-5C>T intronic alteration consists of a C to T substitution 5 nucleotides before coding exon 2 in the GPAA1 gene. Based on insufficient or conflicting evidence, the clinical significance of this alteration remains unclear.